The following is an entry in ClinVar:

ClinVar aggregate classification (germline): Uncertain significance. Review status: criteria provided, multiple submitters, no conflicts (2 of 4 stars). 2 submissions from 2 submitters: Uncertain significance (2). Last evaluated 2023-11-28.

Conditions:
Hereditary cancer-predisposing syndrome. Also called: Hereditary neoplastic syndrome; Tumor predisposition; Neoplastic Syndromes, Hereditary; Hereditary Cancer Syndrome. Identifiers: Orphanet 140162, MedGen C0027672, MeSH D009386, MONDO:0015356.

Submissions (2):

Ambry Genetics
Classification: Uncertain significance for Hereditary cancer-predisposing syndrome. Last evaluated: 2023-11-28. Review status: criteria provided, single submitter. Criteria: Ambry Variant Classification Scheme 2023. Collection method: clinical testing. Allele origin: germline.
Comment: The p.V597A variant (also known as c.1790T>C), located in coding exon 13 of the MSH3 gene, results from a T to C substitution at nucleotide position 1790. The valine at codon 597 is replaced by alanine, an amino acid with similar properties. This amino acid position is conserved. In addition, this alteration is predicted to be deleterious by in silico analysis. Since supporting evidence is limited at this time, the clinical significance of this alteration remains unclear.

Labcorp Genetics (formerly Invitae), Labcorp
Classification: Uncertain significance. Last evaluated: 2020-09-13. Review status: criteria provided, single submitter. Criteria: Invitae Variant Classification Sherloc (09022015). Collection method: clinical testing. Allele origin: germline.
Comment: This variant has not been reported in the literature in individuals with MSH3-related disease. In summary, the available evidence is currently insufficient to determine the role of this variant in disease. Therefore, it has been classified as a Variant of Uncertain Significance. Algorithms developed to predict the effect of missense changes on protein structure and function do not agree on the potential impact of this missense change (SIFT: "Deleterious"; PolyPhen-2: "Probably Damaging"; Align-GVGD: "Class C0"). This variant is not present in population databases (ExAC no frequency). This sequence change replaces valine with alanine at codon 597 of the MSH3 protein (p.Val597Ala). The valine residue is moderately conserved and there is a small physicochemical difference between valine and alanine.

NM_002439.5(MSH3):c.1790T>C (p.Val597Ala)

Gene: MSH3 (mutS homolog 3; plus strand). Cytogenetic location: 5q14.1.
Variant type: single nucleotide variant.
Coding change: c.1790T>C on transcript NM_002439.5 (MANE Select); coding-DNA position 1790, T replaced by C.
Protein change: p.Val597Ala; replaces valine 597 with alanine.
Molecular consequence: missense variant.
Genome position (GRCh38, 1-based): chr5:80,761,572, T>C. VCF-style: chr5-80761572-T-C. GRCh37 (hg19) VCF-style: chr5-80057391-T-C.
Other names: short protein forms V597A.
Identifiers: ClinVar variation 657051 (VCV000657051.11), dbSNP rs1580027448, ClinGen allele CA360276521.